The following is an entry in ClinVar:

ClinVar aggregate classification (germline): Pathogenic (1 of 4 stars; one submission).

Conditions:
Multiple acyl-CoA dehydrogenase deficiency (MADD). Also called: Glutaric aciduria, type 2; Glutaric Acidemia type 2; Glutaric acidemia type II; GA 2; ETHYLMALONIC-ADIPICACIDURIA; GA II. Identifiers: Orphanet 26791, MedGen C0268596, MONDO:0009282, OMIM 231680.

Submission:

Labcorp Genetics (formerly Invitae), Labcorp
Classification: Pathogenic for Multiple acyl-CoA dehydrogenase deficiency. Last evaluated: 2021-05-20. Review status: criteria provided, single submitter. Criteria: Invitae Variant Classification Sherloc (09022015). Collection method: clinical testing. Allele origin: germline.
Comment: For these reasons, this variant has been classified as Pathogenic. This variant has not been reported in the literature in individuals with ETFDH-related conditions. This variant is not present in population databases (ExAC no frequency). This sequence change creates a premature translational stop signal (p.Arg155*) in the ETFDH gene. It is expected to result in an absent or disrupted protein product. Loss-of-function variants in ETFDH are known to be pathogenic (PMID: 16510302, 23785301).

Literature cited by the submitters: PubMed 16510302; PubMed 23785301.

NM_004453.4(ETFDH):c.463A>T (p.Arg155Ter)

Gene: ETFDH (electron transfer flavoprotein dehydrogenase; plus strand). Cytogenetic location: 4q32.1.
Variant type: single nucleotide variant.
Coding change: c.463A>T on transcript NM_004453.4 (MANE Select); coding-DNA position 463, A replaced by T.
Protein change: p.Arg155Ter; replaces arginine 155 with a stop codon.
Molecular consequence: nonsense.
Genome position (GRCh38, 1-based): chr4:158,684,649, A>T. VCF-style: chr4-158684649-A-T. GRCh37 (hg19) VCF-style: chr4-159605801-A-T.
Other names: c.322A>T, p.Arg108Ter (NM_001281737.2); c.280A>T, p.Arg94Ter (NM_001281738.1); short protein forms R108*, R94*, R155*.
Identifiers: ClinVar variation 1351346 (VCV001351346.6), dbSNP rs549150456, ClinGen allele CA358575118.